The following is an entry in ClinVar:

ClinVar aggregate classification (germline): Uncertain significance (1 of 4 stars; one submission).

Conditions:
GNAS-related disorder. Identifiers: MedGen CN380105.

gnomAD v4.1: 2 of 1,607,588 alleles (0.00012%); highest among the groups gnomAD compares: East Asian, 0.0045%; no homozygotes.

Submission:

PreventionGenetics, part of Exact Sciences
Classification: Uncertain significance for GNAS-related condition. Last evaluated: 2026-09-26. Review status: criteria provided, single submitter. Criteria: ACMG Guidelines, 2015. Collection method: clinical testing. Allele origin: germline.
Comment: The GNAS c.517G>C variant is predicted to result in the amino acid substitution p.Ala173Pro. This variant corresponds to a pre-coding position in an alternate transcript for this gene (NM_000516.5:c.-51104G>C). To our knowledge, this variant has not been reported in the literature. This variant is reported in 0.011% of alleles in individuals of East Asian descent in gnomAD. At this time, the clinical significance of this variant is uncertain due to the absence of conclusive functional and genetic evidence.

NM_016592.5(GNAS):c.517G>C (p.Ala173Pro)

Genes: GNAS (GNAS complex locus; plus strand), GNAS-AS1 (GNAS antisense RNA 1; minus strand). Cytogenetic location: 20q13.32.
Variant type: single nucleotide variant.
Coding change: c.517G>C on transcript NM_016592.5 (MANE Plus Clinical); coding-DNA position 517, G replaced by C.
Protein change: p.Ala173Pro; replaces alanine 173 with proline.
Molecular consequence: missense variant. On other transcripts: 5 prime UTR variant (1).
Genome position (GRCh38, 1-based): chr20:58,840,623, G>C. VCF-style: chr20-58840623-G-C. GRCh37 (hg19) VCF-style: chr20-57415678-G-C.
Other names: c.-221G>C (NM_001410912.1); short protein forms A173P.
Identifiers: ClinVar variation 4989877 (VCV004989877.1).
Genomic context (GRCh38, chr20:58,840,623, plus strand): 5'-TCCACCTTCGGCCAGTCCCTCACCCAGCGTCTGCACGCTCTCAAGTTGCGAAGCCCCGAC[G>C]CCTCCCCAAGTCGCGCGCCGCCCAGCACTCAGGAGCCCCAGAGCCCCAGGGAAGGGGAGG-3'
Protein context (NP_057676.1, residues 163-183): LHALKLRSPD[Ala173Pro]SPSRAPPSTQ